The following is an entry in ClinVar:

NM_033087.4(ALG2):c.962C>A (p.Thr321Lys)

Gene: ALG2 (ALG2 alpha-1,3/1,6-mannosyltransferase; minus strand). Cytogenetic location: 9q22.33.
Variant type: single nucleotide variant.
Coding change: c.962C>A on transcript NM_033087.4 (MANE Select); coding-DNA position 962, C replaced by A.
Protein change: p.Thr321Lys; replaces threonine 321 with lysine.
Molecular consequence: missense variant. On other transcripts: non-coding transcript variant (1).
Genome position (GRCh38, 1-based): chr9:99,218,223, G>T on the plus strand (C>A on the coding strand, the complement: ALG2 is on the minus strand). VCF-style: chr9-99218223-G-T. GRCh37 (hg19) VCF-style: chr9-101980505-G-T.
Other names: short protein forms T321K.
Identifiers: ClinVar variation 1386534 (VCV001386534.6), dbSNP rs2118998416, ClinGen allele CA374226758.
Genomic context (GRCh38, chr9:99,218,223, plus strand): 5'-ACTGGGCACTGCATGTACATGGCTTCCAGAGGGACAATGCCAAAGTGCTCATTGCTTGGT[G>T]TGTAAAGCACACACGTGCAGCTGTGGAGGAGGGAGATTTTCTGTTTGTCTGAGAAAGACC-3'
Protein context (NP_149078.1, residues 311-331): LLHSCTCVLY[Thr321Lys]PSNEHFGIVP

ClinVar aggregate classification (germline): Uncertain significance (1 of 4 stars; one submission).

Conditions:
Congenital disorder of glycosylation, type Ii. Also called: ALG2-congenital disorder of glycosylation; ALG2-CDG; CDG Ii. Identifiers: Orphanet 79326, MedGen C1842836, MONDO:0011933, OMIM 607906.
Congenital myasthenic syndrome 14. Also called: Myasthenic syndrome, congenital, 14, with tubular aggregates. Identifiers: Orphanet 353327, Orphanet 590, MedGen C4015597, MONDO:0014543, OMIM 616228.

Submission:

Labcorp Genetics (formerly Invitae), Labcorp
Classification: Uncertain significance for Congenital disorder of glycosylation, type Ii; Congenital myasthenic syndrome 14. Last evaluated: 2021-10-13. Review status: criteria provided, single submitter. Criteria: Invitae Variant Classification Sherloc (09022015). Collection method: clinical testing. Allele origin: germline.
Comment: This sequence change replaces threonine with lysine at codon 321 of the ALG2 protein (p.Thr321Lys). The threonine residue is highly conserved and there is a moderate physicochemical difference between threonine and lysine. In summary, the available evidence is currently insufficient to determine the role of this variant in disease. Therefore, it has been classified as a Variant of Uncertain Significance. Algorithms developed to predict the effect of missense changes on protein structure and function (SIFT, PolyPhen-2, Align-GVGD) all suggest that this variant is likely to be disruptive. This variant has not been reported in the literature in individuals affected with ALG2-related conditions. This variant is not present in population databases (ExAC no frequency).